The following is an entry in ClinVar:

NM_001083116.3(PRF1):c.10C>T (p.Arg4Cys)

Gene: PRF1 (perforin 1; minus strand). Cytogenetic location: 10q22.1.
Variant type: single nucleotide variant.
Coding change: c.10C>T on transcript NM_001083116.3 (MANE Select); coding-DNA position 10, C replaced by T.
Protein change: p.Arg4Cys; replaces arginine 4 with cysteine.
Molecular consequence: missense variant.
Genome position (GRCh38, 1-based): chr10:70,600,893, G>A on the plus strand (C>T on the coding strand, the complement: PRF1 is on the minus strand). VCF-style: chr10-70600893-G-A. GRCh37 (hg19) VCF-style: chr10-72360649-G-A.
Other names: c.10C>T, p.Arg4Cys (NM_005041.6); short protein forms R4C.
Identifiers: ClinVar variation 536220 (VCV000536220.21), dbSNP rs12161733, ClinGen allele CA5539150.

ClinVar aggregate classification (germline): Conflicting classifications of pathogenicity. Review status: criteria provided, conflicting classifications (1 of 4 stars). 5 submissions from 5 submitters: Uncertain significance (1); Likely benign (3). 1 of the submissions does not count toward it. Last evaluated 2026-02-04.

Conditions:
PRF1-related disorder. Also called: PRF1-related condition.
Familial hemophagocytic lymphohistiocytosis 2 (FHL2). Also called: PRF1-Related Familial Hemophagocytic Lymphohistiocytosis (PRF1-fHLH). Identifiers: Orphanet 540, MedGen C1863727, MONDO:0011337, OMIM 603553.
Lymphoma, non-Hodgkin, familial. Identifiers: MedGen C4721532, MONDO:0011508, OMIM 605027.
Aplastic anemia. Identifiers: Orphanet 182040, Orphanet 88, MedGen C0002874, MONDO:0015909, OMIM 609135, HP:0001915.

Allele frequency attached by ClinVar (database versions not stated): gnomAD 0.00220; 1000 Genomes Project 0.00280; gnomAD exomes 0.00091; ESP Exome Variant Server 0.00101; ExAC 0.00142; TOPMed 0.00177; 1000 Genomes Project 30x 0.00281.
gnomAD v4.1: 637 of 1,587,782 alleles (0.04%); highest among the groups gnomAD compares: African/African-American, 0.51%; 5 homozygotes.

Submissions (5):

Labcorp Genetics (formerly Invitae), Labcorp
Classification: Likely benign for Familial hemophagocytic lymphohistiocytosis 2. Last evaluated: 2026-02-04. Review status: criteria provided, single submitter. Criteria: Invitae Variant Classification Sherloc (09022015). Collection method: clinical testing. Allele origin: germline.

Blueprint Genetics
Classification: Likely benign. Last evaluated: 2024-11-26. Review status: criteria provided, single submitter. Criteria: ACMG Guidelines, 2015. Collection method: clinical testing. Allele origin: germline.

Genetic Services Laboratory, University of Chicago
Classification: Likely benign. Last evaluated: 2021-06-16. Review status: criteria provided, single submitter. Criteria: ACMG Guidelines, 2015. Collection method: clinical testing. Allele origin: germline. Affected: no.

Center for Genomics, Ann and Robert H. Lurie Children's Hospital of Chicago
Classification: Uncertain significance for Familial hemophagocytic lymphohistiocytosis 2; Aplastic anemia; Lymphoma, non-Hodgkin, familial. Review status: criteria provided, single submitter. Criteria: ACMG Guidelines, 2015. Collection method: clinical testing. Allele origin: germline.
Comment: PRF1 NM_001083116.2 exon 2 p.Arg4Cys (c.10C>T): This variant has been reported in the literature in at least 3 individuals with hemophagocytic lymphohistiocytosis (HLH) and in two individuals with lymphoma; however, none of these individuals carried a second clearly disease-causing variant in the gene (My 2010 PMID:19863536, Zhang 2011 PMID:21881043, Chen 2017 PMID:29113160). This variant is also present in 0.6% (112/16344) of East Asian alleles in the Genome Aggregation Database, including one homozygote. This variant is present in ClinVar (Variation ID:536220). This variant amino acid (Cys) is present in several species including multiple primates and other mammals, and it is not well conserved among evolutionarily distant species; this suggests that this variant may not impact the protein. Additional computational prediction tools do not suggest an impact. In summary, data on this variant is insufficient for disease classification. Therefore, the clinical significance of this variant is uncertain.

PreventionGenetics, part of Exact Sciences
Classification: Likely benign for PRF1-related condition. Last evaluated: 2021-03-11. Review status: no assertion criteria provided. Collection method: clinical testing. Allele origin: germline. Not counted in ClinVar's aggregate classification.
Comment: This variant is classified as likely benign based on ACMG/AMP sequence variant interpretation guidelines (Richards et al. 2015 PMID: 25741868, with internal and published modifications).